The following is an entry in ClinVar:

NM_005612.5(REST):c.830_831del (p.Thr277fs)

Gene: REST (RE1 silencing transcription factor; plus strand). Cytogenetic location: 4q12.
Variant type: Microsatellite.
Coding change: c.830_831del on transcript NM_005612.5 (MANE Select); coding-DNA positions 830 to 831, 2 bases deleted (CA; older notation c.830_831delCA).
Protein change: p.Thr277fs; shifts the reading frame from threonine 277.
Molecular consequence: frameshift variant.
Genome position (GRCh38, 1-based): chr4:56,911,468-56,911,469, CA deleted; deleting any 2 consecutive bases within chr4:56,911,465-56,911,469 gives the same sequence; the c. name uses the placement nearest the transcript's 3' end. VCF-style (leftmost placement, unchanged base first): chr4-56911464-TAC-T. GRCh37 (hg19) VCF-style: chr4-57777630-TAC-T.
Other names: c.828_829CA[1], p.Thr277Metfs (NM_001193508.2, NM_001363453.3); short protein forms T277fs.
Identifiers: ClinVar variation 2706001 (VCV002706001.3), dbSNP rs2475801074, ClinGen allele CA2697546797.

ClinVar aggregate classification (germline): Pathogenic (1 of 4 stars; one submission).

Submission:

Labcorp Genetics (formerly Invitae), Labcorp
Classification: Pathogenic. Last evaluated: 2025-11-17. Review status: criteria provided, single submitter. Criteria: Invitae Variant Classification Sherloc (09022015). Collection method: clinical testing. Allele origin: germline.
Comment: This sequence change creates a premature translational stop signal (p.Thr277Metfs*19) in the REST gene. It is expected to result in an absent or disrupted protein product. Loss-of-function variants in REST are known to be pathogenic (PMID: 26551668). This variant is not present in population databases (gnomAD no frequency). This variant has not been reported in the literature in individuals affected with REST-related conditions. For these reasons, this variant has been classified as Pathogenic.

Literature cited by the submitters: PubMed 26551668.